The following is an entry in ClinVar:

ClinVar aggregate classification (germline): Likely benign (1 of 4 stars; one submission).

Allele frequency attached by ClinVar (database versions not stated): gnomAD exomes below 0.00001; TOPMed 0.00002.
gnomAD v4.1: 3 of 1,423,958 alleles (0.00021%); highest among the groups gnomAD compares: Admixed American, 0.0029%; no homozygotes.

Submission:

GeneDx
Classification: Likely benign. Last evaluated: 2016-02-05. Review status: criteria provided, single submitter. Criteria: GeneDx Variant Classification (06012015). Collection method: clinical testing. Allele origin: germline. Affected: yes.
Comment: This variant is considered likely benign or benign based on one or more of the following criteria: it is a conservative change, it occurs at a poorly conserved position in the protein, it is predicted to be benign by multiple in silico algorithms, and/or has population frequency not consistent with disease.

NM_000548.5(TSC2):c.-40C>T

Genes: TSC2 (TSC complex subunit 2; plus strand), LOC130058210 (ATAC-STARR-seq lymphoblastoid silent region 7024; plus strand). Cytogenetic location: 16p13.3.
Variant type: single nucleotide variant.
Coding change: c.-40C>T on transcript NM_000548.5 (MANE Select); 40 bases upstream of the start codon, C replaced by T.
Molecular consequence: 5 prime UTR variant.
Genome position (GRCh38, 1-based): chr16:2,048,055, C>T. VCF-style: chr16-2048055-C-T. GRCh37 (hg19) VCF-style: chr16-2098056-C-T.
Other names: c.-40C>T (NM_001077183.3, NM_001114382.3, NM_001318827.2 and 4 more transcripts); c.-20C>T (NM_001318829.2); c.-266C>T (NM_001318831.2).
Identifiers: ClinVar variation 383242 (VCV000383242.1), dbSNP rs1057521563, ClinGen allele CA16606916.